The following is an entry in ClinVar:

ClinVar aggregate classification (germline): Conflicting classifications of pathogenicity. Review status: criteria provided, conflicting classifications (1 of 4 stars). 4 submissions from 4 submitters: Uncertain significance (3); Likely benign (1). Last evaluated 2025-11-08.

Conditions:
Inborn genetic diseases. Identifiers: MedGen C0950123, MeSH D030342.
Mitochondrial complex III deficiency nuclear type 2. Identifiers: MedGen C3554605, MONDO:0014063, OMIM 615157.

Allele frequency attached by ClinVar (database versions not stated): gnomAD below 0.00001 and 0.00003; TOPMed 0.00001; gnomAD exomes 0.00009 and 0.00017; ExAC 0.00019; 1000 Genomes Project 0.00040; 1000 Genomes Project 30x 0.00047.
gnomAD v4.1: 133 of 1,613,334 alleles (0.0082%); highest among the groups gnomAD compares: South Asian, 0.14%; 3 homozygotes.

Submissions (4):

Mayo Clinic Laboratories, Mayo Clinic
Classification: Uncertain significance. Last evaluated: 2025-11-08. Review status: criteria provided, single submitter. Criteria: ACMG Guidelines, 2015. Collection method: clinical testing. Allele origin: germline. Observed: 1 variant allele.
Comment: BS1

Labcorp Genetics (formerly Invitae), Labcorp
Classification: Likely benign. Last evaluated: 2025-03-13. Review status: criteria provided, single submitter. Criteria: Invitae Variant Classification Sherloc (09022015). Collection method: clinical testing. Allele origin: germline.

Ambry Genetics
Classification: Uncertain significance for Inborn genetic diseases. Last evaluated: 2023-02-23. Review status: criteria provided, single submitter. Criteria: Ambry Variant Classification Scheme 2023. Collection method: clinical testing. Allele origin: germline.

Illumina Laboratory Services, Illumina
Classification: Uncertain significance for Mitochondrial complex III deficiency nuclear type 2. Last evaluated: 2018-01-12. Review status: criteria provided, single submitter. Criteria: ICSL Variant Classification Criteria 13 December 2019. Collection method: clinical testing. Allele origin: germline.

NM_017775.4(TTC19):c.612C>G (p.Phe204Leu)

Gene: TTC19 (tetratricopeptide repeat domain 19; plus strand). Cytogenetic location: 17p12.
Variant type: single nucleotide variant.
Coding change: c.612C>G on transcript NM_017775.4 (MANE Select); coding-DNA position 612, C replaced by G.
Protein change: p.Phe204Leu; replaces phenylalanine 204 with leucine.
Molecular consequence: missense variant.
Genome position (GRCh38, 1-based): chr17:16,006,504, C>G. VCF-style: chr17-16006504-C-G. GRCh37 (hg19) VCF-style: chr17-15909818-C-G.
Other names: p.Phe204Leu; c.291C>G, p.Phe97Leu (NM_001271420.2); c.975C>G (NM_017775.2); short protein forms F204L, F97L.
Identifiers: ClinVar variation 215307 (VCV000215307.11), dbSNP rs544027755, ClinGen allele CA325037.